The following is an entry in ClinVar:

ClinVar aggregate classification (germline): Uncertain significance. Review status: criteria provided, multiple submitters, no conflicts (2 of 4 stars). 2 submissions from 2 submitters: Uncertain significance (2). Last evaluated 2025-08-10.

Conditions:
Inborn genetic diseases. Identifiers: MedGen C0950123, MeSH D030342.
SCAPER-related disorder. Also called: SCAPER-related condition.

Allele frequency attached by ClinVar (database versions not stated): gnomAD 0.00001; TOPMed 0.00001; ExAC 0.00002.
gnomAD v4.1: 9 of 1,612,144 alleles (0.00056%); highest among the groups gnomAD compares: Admixed American, 0.005%; no homozygotes.

Submissions (2):

PreventionGenetics, part of Exact Sciences
Classification: Uncertain significance for SCAPER-related condition. Last evaluated: 2025-08-10. Review status: criteria provided, single submitter. Criteria: ACMG Guidelines, 2015. Collection method: clinical testing. Allele origin: germline.
Comment: The SCAPER c.1618C>T variant is predicted to result in the amino acid substitution p.Pro540Ser. To our knowledge, this variant has not been reported in the literature. This variant is reported in 0.0027% of alleles in individuals of European (Non-Finnish) descent in gnomAD. At this time, the clinical significance of this variant is uncertain due to the absence of conclusive functional and genetic evidence.

Ambry Genetics
Classification: Uncertain significance for Inborn genetic diseases. Last evaluated: 2023-12-18. Review status: criteria provided, single submitter. Criteria: Ambry Variant Classification Scheme 2023. Collection method: clinical testing. Allele origin: germline.

NM_020843.4(SCAPER):c.1600C>T (p.Pro534Ser)

Gene: SCAPER (S-phase cyclin A associated protein in the ER; minus strand). Cytogenetic location: 15q24.3.
Variant type: single nucleotide variant.
Coding change: c.1600C>T on transcript NM_020843.4 (MANE Select); coding-DNA position 1600, C replaced by T.
Protein change: p.Pro534Ser; replaces proline 534 with serine.
Molecular consequence: missense variant. On other transcripts: non-coding transcript variant (1).
Genome position (GRCh38, 1-based): chr15:76,765,350, G>A on the plus strand (C>T on the coding strand, the complement: SCAPER is on the minus strand). VCF-style: chr15-76765350-G-A. GRCh37 (hg19) VCF-style: chr15-77057691-G-A.
Other names: c.862C>T, p.Pro288Ser (NM_001145923.2); c.1618C>T, p.Pro540Ser (NM_001353009.2); c.1198C>T, p.Pro400Ser (NM_001353010.2, NM_001353012.2); c.1216C>T, p.Pro406Ser (NM_001353011.2); c.1618C>T (NM_001353009.1); short protein forms P406S, P288S, P400S, P534S, P540S.
Identifiers: ClinVar variation 3158282 (VCV003158282.2), dbSNP rs777026305, ClinGen allele CA7674917.